The following is an entry in ClinVar:

NM_001029896.2(WDR45):c.10C>T (p.Gln4Ter)

Genes: WDR45 (WD repeat domain 45; minus strand), LOC126863256 (BRD4-independent group 4 enhancer GRCh37_chrX:48934848-48936047; plus strand). Cytogenetic location: Xp11.23.
Variant type: single nucleotide variant.
Coding change: c.10C>T on transcript NM_001029896.2 (MANE Select); coding-DNA position 10, C replaced by T.
Protein change: p.Gln4Ter; replaces glutamine 4 with a stop codon.
Molecular consequence: nonsense.
Genome position (GRCh38, 1-based): chrX:49,078,086, G>A on the plus strand (C>T on the coding strand, the complement: WDR45 is on the minus strand). VCF-style: chrX-49078086-G-A. GRCh37 (hg19) VCF-style: chrX-48935745-G-A.
Other names: c.10C>T, p.Gln4Ter (NM_007075.4); short protein forms Q4*.
Identifiers: ClinVar variation 947175 (VCV000947175.3), dbSNP rs2065048388, ClinGen allele CA412949568.

ClinVar aggregate classification (germline): Pathogenic. Review status: criteria provided, multiple submitters, no conflicts (2 of 4 stars). 3 submissions from 3 submitters: Pathogenic (3). Last evaluated 2025-06-18.

Conditions:
Neurodegeneration with brain iron accumulation 5 (NBIA5). Also called: Beta-propeller protein-associated neurodegeneration; STATIC ENCEPHALOPATHY OF CHILDHOOD WITH NEURODEGENERATION IN ADULTHOOD. Identifiers: Orphanet 329284, MedGen C3550973, MONDO:0010476, OMIM 300894.

Submissions (3):

GeneDx
Classification: Pathogenic. Last evaluated: 2025-06-18. Review status: criteria provided, single submitter. Criteria: GeneDx Variant Classification Process June 2021. Collection method: clinical testing. Allele origin: germline. Affected: yes.
Comment: Nonsense variant predicted to result in protein truncation or nonsense mediated decay in a gene for which loss of function is a known mechanism of disease; Not observed at significant frequency in large population cohorts (gnomAD); This variant is associated with the following publications: (PMID: 31665836, 33037762, 34926809)

Laboratorio de Genetica e Diagnostico Molecular, Hospital Israelita Albert Einstein
Classification: Pathogenic for Neurodegeneration with brain iron accumulation 5. Last evaluated: 2022-05-09. Review status: criteria provided, single submitter. Criteria: ACMG Guidelines, 2015. Collection method: clinical testing. Allele origin: germline. Affected: yes. Observed: 1 variant allele.
Comment: ACMG classification criteria: PVS1 very strong, PS4 supporting, PM2 moderated, PM6 moderated

Labcorp Genetics (formerly Invitae), Labcorp
Classification: Pathogenic for Neurodegeneration with brain iron accumulation 5. Last evaluated: 2019-07-08. Review status: criteria provided, single submitter. Criteria: Invitae Variant Classification Sherloc (09022015). Collection method: clinical testing. Allele origin: germline.
Comment: This sequence change creates a premature translational stop signal (p.Gln4*) in the WDR45 gene. It is expected to result in an absent or disrupted protein product. This variant is not present in population databases (ExAC no frequency). This variant has not been reported in the literature in individuals with WDR45-related conditions. Loss-of-function variants in WDR45 are known to be pathogenic (PMID: 23176820, 24368176, 24621584, 25744623, 26790960, 27030146, 27652284, 28554332). For these reasons, this variant has been classified as Pathogenic.